The following is an entry in ClinVar:

NM_001256789.3(CACNA1F):c.587A>C (p.Lys196Thr)

Gene: CACNA1F (calcium voltage-gated channel subunit alpha1 F; minus strand). Cytogenetic location: Xp11.23.
Variant type: single nucleotide variant.
Coding change: c.587A>C on transcript NM_001256789.3 (MANE Select); coding-DNA position 587, A replaced by C.
Protein change: p.Lys196Thr; replaces lysine 196 with threonine.
Molecular consequence: missense variant.
Genome position (GRCh38, 1-based): chrX:49,230,544, T>G on the plus strand (A>C on the coding strand, the complement: CACNA1F is on the minus strand). VCF-style: chrX-49230544-T-G. GRCh37 (hg19) VCF-style: chrX-49087006-T-G.
Other names: c.392A>C, p.Lys131Thr (NM_001256790.3); c.587A>C, p.Lys196Thr (NM_005183.4); short protein forms K131T, K196T.
Identifiers: ClinVar variation 3774086 (VCV003774086.1).
Genomic context (GRCh38, chrX:49,230,544, plus strand): 5'-AGCCTCAGTGGCCGCAGCACCCGAAACGCCCTCAATGCCTTCACATCGAAGCCTCCTGGC[T>G]TTCCCCCGGTGTGCGGGGCGTCGCCTGGCCGTCCGGGGCCCTGCTCCAGCAGAACGCTGA-3'
Protein context (NP_001243718.1, residues 186-206): RPGDAPHTGG[Lys196Thr]PGGFDVKALR

ClinVar aggregate classification (germline): Uncertain significance (1 of 4 stars; one submission).

Submission:

GeneDx
Classification: Uncertain significance. Last evaluated: 2024-09-18. Review status: criteria provided, single submitter. Criteria: GeneDx Variant Classification Process June 2021. Collection method: clinical testing. Allele origin: germline. Affected: yes.
Comment: Not observed at significant frequency in large population cohorts (gnomAD); In silico analysis supports that this missense variant has a deleterious effect on protein structure/function; Has not been previously published as pathogenic or benign to our knowledge